The following is an entry in ClinVar:

ClinVar aggregate classification (germline): Conflicting classifications of pathogenicity. Review status: criteria provided, conflicting classifications (1 of 4 stars). 4 submissions from 4 submitters: Uncertain significance (2); Benign (1). 1 of the submissions does not count toward it. Last evaluated 2025-06-20.

Conditions:
PKD1-related disorder. Also called: PKD1-related condition.
Polycystic kidney disease, adult type (PKD1). Also called: POLYCYSTIC KIDNEY DISEASE 1 WITH OR WITHOUT POLYCYSTIC LIVER DISEASE; POLYCYSTIC KIDNEY DISEASE, ADULT, TYPE I; Polycystic Kidney, Autosomal Dominant; Polycystic Kidney Disease 1, Autosomal Dominant; Polycystic kidney disease 1; Polycystic kidney disease 1, severe. Identifiers: MedGen C3149841, MONDO:0008263, OMIM 173900.

Allele frequency attached by ClinVar (database versions not stated): gnomAD 0.00006 and 0.00008; gnomAD exomes 0.00009 and 0.00013; TOPMed 0.00011; ExAC 0.00017; 1000 Genomes Project 0.00040; 1000 Genomes Project 30x 0.00047.
gnomAD v4.1: 139 of 1,601,750 alleles (0.0087%); highest among the groups gnomAD compares: East Asian, 0.1%; no homozygotes.

Submissions (4):

Women's Health and Genetics/Laboratory Corporation of America, LabCorp
Classification: Uncertain significance. Last evaluated: 2025-06-20. Review status: criteria provided, single submitter. Criteria: LabCorp Variant Classification Summary - May 2015. Collection method: clinical testing. Allele origin: germline.
Comment: Variant summary: PKD1 c.6878C>T (p.Pro2293Leu) results in a non-conservative amino acid change in the encoded protein sequence. Algorithms developed to predict the effect of missense changes on protein structure and function are either unavailable or do not agree on the potential impact of this missense change. The variant allele was found at a frequency of 0.00013 in 243678 control chromosomes (gnomAD). This frequency is not significantly higher than estimated for a pathogenic variant in PKD1 causing PKD1-Biallelic Autosomal Recessive Polycystic Kidney Disease, allowing no conclusion about variant significance. c.6878C>T has been observed in infantile cases of enlarged hyperechogenic kidneys who also had a (likely) pathogenic variant in HNF1B (Bergmann_2011). It was also found in a Polycystic Kidney Disease case who also had a pathogenic PKD1 variant (He_2018). These reports do not provide unequivocal conclusions about association of the variant with PKD1-Biallelic Autosomal Recessive Polycystic Kidney Disease. To our knowledge, no experimental evidence demonstrating an impact on protein function has been reported. The following publications have been ascertained in the context of this evaluation (PMID: 22034641, 30333007). ClinVar contains an entry for this variant (Variation ID: 803165). Based on the evidence outlined above, the variant was classified as uncertain significance.

Victorian Clinical Genetics Services, Murdoch Childrens Research Institute
Classification: Uncertain significance for Polycystic kidney disease, adult type. Last evaluated: 2020-05-26. Review status: criteria provided, single submitter. Criteria: ACMG Guidelines, 2015. Collection method: clinical testing. Allele origin: germline. Inheritance: Autosomal dominant inheritance. Affected: yes.
Comment: Based on the classification scheme VCGS_Germline_v1.1.1, this variant is classified as 3C-VUS. Following criteria are met: 0102 - Loss-of-function is a known mechanism of disease for this gene. (N) 0107 - This gene is known to be associated with autosomal dominant disease predominantly caused by monoallelic variants, with rare reports of bi-allelic variants causing disease. (N) 0200 - Variant is predicted to result in a missense amino acid change from a proline to a leucine (exon 15). (N) 0251 - Variant is heterozygous. (N) 0302 - Variant is present in gnomAD <0.001 for a dominant condition (33 heterozygotes, 0 homozygotes). (P) 0504 - Same amino acid change has been observed in mammals. (B) 0600 - Variant is located in an annotated domain or motif (REJ domain; UniProt). (N) 0704 - Comparable variant has low previous evidence for pathogenicity. An alternate missense variant at the same residue (p.Pro2293Ser) has been reported pathogenic in an individual with multiple renal cysts (ClinVar). (P) 0808 - Previous reports of pathogenicity are conflicting. This variant has been reported as likely benign in an individual with PKD that also had a second pathogenic variant (PKD mutation database, PMID: 30333007). In addition, this variant has been reported as disease modifying (PMID: 25263802). (N) 0905 - No segregation evidence has been identified for this variant. (N) 1007 - No published functional evidence has been identified for this variant. (N) 1208 - Inheritance information for this variant is not currently available. (N) Legend: (P) - Pathogenic, (N) - Neutral, (B) - Benign

Mendelics
Classification: Benign for Polycystic kidney disease, adult type. Last evaluated: 2019-05-28. Review status: criteria provided, single submitter. Criteria: Mendelics Assertion Criteria 2017. Collection method: clinical testing. Allele origin: unknown.

PreventionGenetics, part of Exact Sciences
Classification: Likely benign for PKD1-related condition. Last evaluated: 2022-05-20. Review status: no assertion criteria provided. Collection method: clinical testing. Allele origin: germline. Not counted in ClinVar's aggregate classification.
Comment: This variant is classified as likely benign based on ACMG/AMP sequence variant interpretation guidelines (Richards et al. 2015 PMID: 25741868, with internal and published modifications).

Literature cited by the submitters: PubMed 22034641 (cited by Women's Health and Genetics/Laboratory Corporation of America, LabCorp); PubMed 30333007 (cited by Women's Health and Genetics/Laboratory Corporation of America, LabCorp and Victorian Clinical Genetics Services, Murdoch Childrens Research Institute); PubMed 25263802 (cited by Victorian Clinical Genetics Services, Murdoch Childrens Research Institute).

NM_001009944.3(PKD1):c.6878C>T (p.Pro2293Leu)

Gene: PKD1 (polycystin 1, transient receptor potential channel interacting; minus strand). Cytogenetic location: 16p13.3.
Variant type: single nucleotide variant.
Coding change: c.6878C>T on transcript NM_001009944.3 (MANE Select); coding-DNA position 6878, C replaced by T.
Protein change: p.Pro2293Leu; replaces proline 2293 with leucine.
Molecular consequence: missense variant.
Genome position (GRCh38, 1-based): chr16:2,108,289, G>A on the plus strand (C>T on the coding strand, the complement: PKD1 is on the minus strand). VCF-style: chr16-2108289-G-A. GRCh37 (hg19) VCF-style: chr16-2158290-G-A.
Other names: c.6878C>T, p.Pro2293Leu (NM_000296.4); short protein forms P2293L.
Identifiers: ClinVar variation 803165 (VCV000803165.5), dbSNP rs530832015, ClinGen allele CA7831420.
Genomic context (GRCh38, chr16:2,108,289, plus strand): 5'-GGACGGCCCTGCCACGCACTGACCTGTGTCGAAGCCACACAGGCCCAGTGGAAACTGAGC[G>A]GCGTCTGGTCGCCGTCCTCCAGGTTGGGGTCGTAGGACTCGCTCCCATCCAGCACCAGGT-3'
Protein context (NP_001009944.3, residues 2283-2303): DPNLEDGDQT[Pro2293Leu]LSFHWACVAS